The following is an entry in ClinVar:

NM_020822.3(KCNT1):c.984G>C (p.Gln328His)

Gene: KCNT1 (potassium sodium-activated channel subfamily T member 1; plus strand). Cytogenetic location: 9q34.3.
Variant type: single nucleotide variant.
Coding change: c.984G>C on transcript NM_020822.3 (MANE Select); coding-DNA position 984, G replaced by C.
Protein change: p.Gln328His; replaces glutamine 328 with histidine.
Molecular consequence: missense variant.
Genome position (GRCh38, 1-based): chr9:135,759,808, G>C. VCF-style: chr9-135759808-G-C. GRCh37 (hg19) VCF-style: chr9-138651654-G-C.
Other names: c.849G>C, p.Gln283His (NM_001272003.2); c.984G>C (NM_020822.2); short protein forms Q283H, Q328H.
Identifiers: ClinVar variation 1364061 (VCV001364061.6), dbSNP rs1289554527, ClinGen allele CA375498629.

ClinVar aggregate classification (germline): Uncertain significance. Review status: criteria provided, multiple submitters, no conflicts (2 of 4 stars). 2 submissions from 2 submitters: Uncertain significance (2). Last evaluated 2025-09-17.

Conditions:
Inborn genetic diseases. Identifiers: MedGen C0950123, MeSH D030342.
Autosomal dominant nocturnal frontal lobe epilepsy 5. Also called: Epilepsy, nocturnal frontal lobe, 5; CILIARY DYSKINESIA, PRIMARY, 28, WITHOUT SITUS INVERSUS; CILIARY DYSKINESIA, PRIMARY, 28, WITH SITUS INVERSUS; KCNT1-Related Epilepsy. Identifiers: Orphanet 98784, MedGen C3554306, MONDO:0014002, OMIM 615005.
Developmental and epileptic encephalopathy, 14 (DEE14). Also called: Early infantile epileptic encephalopathy 14. Identifiers: Orphanet 293181, MedGen C3554195, MONDO:0013989, OMIM 614959.

Allele frequency attached by ClinVar (database versions not stated): gnomAD exomes below 0.00001 and 0.00001; TOPMed below 0.00001; gnomAD 0.00001.
gnomAD v4.1: 12 of 1,613,134 alleles (0.00074%); highest among the groups gnomAD compares: Admixed American, 0.005%; no homozygotes.

Submissions (2):

Labcorp Genetics (formerly Invitae), Labcorp
Classification: Uncertain significance for Autosomal dominant nocturnal frontal lobe epilepsy 5; Developmental and epileptic encephalopathy, 14. Last evaluated: 2025-09-17. Review status: criteria provided, single submitter. Criteria: Invitae Variant Classification Sherloc (09022015). Collection method: clinical testing. Allele origin: germline.
Comment: This sequence change replaces glutamine, which is neutral and polar, with histidine, which is basic and polar, at codon 328 of the KCNT1 protein (p.Gln328His). This variant is present in population databases (no rsID available, gnomAD 0.003%). This variant has not been reported in the literature in individuals affected with KCNT1-related conditions. ClinVar contains an entry for this variant (Variation ID: 1364061). Invitae Evidence Modeling of protein sequence and biophysical properties (such as structural, functional, and spatial information, amino acid conservation, physicochemical variation, residue mobility, and thermodynamic stability) indicates that this missense variant is not expected to disrupt KCNT1 protein function with a negative predictive value of 80%. In summary, the available evidence is currently insufficient to determine the role of this variant in disease. Therefore, it has been classified as a Variant of Uncertain Significance.

Ambry Genetics
Classification: Uncertain significance for Inborn genetic diseases. Last evaluated: 2024-12-23. Review status: criteria provided, single submitter. Criteria: Ambry Variant Classification Scheme 2023. Collection method: clinical testing. Allele origin: germline.